The following is an entry in ClinVar:

ClinVar aggregate classification (germline): Uncertain significance. Review status: criteria provided, multiple submitters, no conflicts (2 of 4 stars). 3 submissions from 3 submitters: Uncertain significance (3). Last evaluated 2024-10-22.

Conditions:
Hereditary cancer-predisposing syndrome. Also called: Neoplastic Syndromes, Hereditary; Tumor predisposition; Hereditary Cancer Syndrome; Hereditary neoplastic syndrome. Identifiers: Orphanet 140162, MedGen C0027672, MeSH D009386, MONDO:0015356.
Carney complex, type 1 (CNC1). Also called: CARNEY MYXOMA-ENDOCRINE COMPLEX; CARNEY COMPLEX, TYPE I. Identifiers: Orphanet 1359, MedGen C2607929, MONDO:0008057, OMIM 160980.
Acrodysostosis 1 with or without hormone resistance (ACRDYS1). Also called: ACRODYSOSTOSIS 1 WITH HORMONE RESISTANCE; ACRODYSOSTOSIS 1 WITHOUT HORMONE RESISTANCE; ACRODYSOSTOSIS WITH HORMONE RESISTANCE. Identifiers: Orphanet 280651, MedGen C3276228, MONDO:0007044, OMIM 101800.

Submissions (3):

Ambry Genetics
Classification: Uncertain significance for Hereditary cancer-predisposing syndrome. Last evaluated: 2024-10-22. Review status: criteria provided, single submitter. Criteria: Ambry Variant Classification Scheme 2023. Collection method: clinical testing. Allele origin: germline.
Comment: The p.Q275R variant (also known as c.824A>G), located in coding exon 8 of the PRKAR1A gene, results from an A to G substitution at nucleotide position 824. The glutamine at codon 275 is replaced by arginine, an amino acid with highly similar properties. This amino acid position is highly conserved in available vertebrate species. In addition, this alteration is predicted to be deleterious by in silico analysis. Since supporting evidence is limited at this time, the clinical significance of this alteration remains unclear.

Labcorp Genetics (formerly Invitae), Labcorp
Classification: Uncertain significance for Carney complex, type 1. Last evaluated: 2024-07-22. Review status: criteria provided, single submitter. Criteria: Invitae Variant Classification Sherloc (09022015). Collection method: clinical testing. Allele origin: germline.
Comment: This sequence change replaces glutamine, which is neutral and polar, with arginine, which is basic and polar, at codon 275 of the PRKAR1A protein (p.Gln275Arg). This variant is not present in population databases (gnomAD no frequency). This variant has not been reported in the literature in individuals affected with PRKAR1A-related conditions. ClinVar contains an entry for this variant (Variation ID: 1762614). Advanced modeling of protein sequence and biophysical properties (such as structural, functional, and spatial information, amino acid conservation, physicochemical variation, residue mobility, and thermodynamic stability) performed at Invitae indicates that this missense variant is not expected to disrupt PRKAR1A protein function with a negative predictive value of 80%. In summary, the available evidence is currently insufficient to determine the role of this variant in disease. Therefore, it has been classified as a Variant of Uncertain Significance.

Baylor Genetics
Classification: Uncertain significance for Acrodysostosis 1 with or without hormone resistance. Last evaluated: 2024-02-11. Review status: criteria provided, single submitter. Criteria: ACMG Guidelines, 2015. Collection method: clinical testing. Allele origin: unknown.

NM_002734.5(PRKAR1A):c.824A>G (p.Gln275Arg)

Gene: PRKAR1A (protein kinase cAMP-dependent type I regulatory subunit alpha; plus strand). Cytogenetic location: 17q24.2.
Variant type: single nucleotide variant.
Coding change: c.824A>G on transcript NM_002734.5 (MANE Select); coding-DNA position 824, A replaced by G.
Protein change: p.Gln275Arg; replaces glutamine 275 with arginine.
Molecular consequence: missense variant.
Genome position (GRCh38, 1-based): chr17:68,528,924, A>G. VCF-style: chr17-68528924-A-G. GRCh37 (hg19) VCF-style: chr17-66525065-A-G.
Other names: c.824A>G, p.Gln275Arg (NM_001276289.2, NM_001276290.1, NM_001278433.2 and 4 more transcripts); short protein forms Q275R.
Identifiers: ClinVar variation 1762614 (VCV001762614.7), dbSNP rs2509437681, ClinGen allele CA400753899.